The following is an entry in ClinVar:

NM_001916.5(CYC1):c.923G>A (p.Arg308Gln)

Gene: CYC1 (cytochrome c1; plus strand). Cytogenetic location: 8q24.3.
Variant type: single nucleotide variant.
Coding change: c.923G>A on transcript NM_001916.5 (MANE Select); coding-DNA position 923, G replaced by A.
Protein change: p.Arg308Gln; replaces arginine 308 with glutamine.
Molecular consequence: missense variant.
Genome position (GRCh38, 1-based): chr8:144,097,281, G>A. VCF-style: chr8-144097281-G-A. GRCh37 (hg19) VCF-style: chr8-145152184-G-A.
Other names: c.923G>A (NM_001916.3); short protein forms R308Q.
Identifiers: ClinVar variation 1448997 (VCV001448997.7), dbSNP rs200419425, ClinGen allele CA4933600.
Genomic context (GRCh38, chr8:144,097,281, plus strand): 5'-CTTGTCTGCAGATGTTGATGATGATGGCTCTGCTGGTGCCCCTGGTCTACACCATAAAGC[G>A]GCACAAGTGGTCAGTCCTGAAGAGTCGGAAGCTGGCATATCGGCCGCCCAAGTGACCCTG-3'
Protein context (NP_001907.3, residues 298-318): LLVPLVYTIK[Arg308Gln]HKWSVLKSRK

ClinVar aggregate classification (germline): Uncertain significance. Review status: criteria provided, multiple submitters, no conflicts (2 of 4 stars). 2 submissions from 2 submitters: Uncertain significance (2). Last evaluated 2025-12-04.

Allele frequency attached by ClinVar (database versions not stated): gnomAD exomes 0.00001; ExAC 0.00002; TOPMed 0.00002; gnomAD 0.00003.
gnomAD v4.1: 18 of 1,613,982 alleles (0.0011%); highest among the groups gnomAD compares: African/African-American, 0.0053%; no homozygotes.

Submissions (2):

Ambry Genetics
Classification: Uncertain significance. Last evaluated: 2025-12-04. Review status: criteria provided, single submitter. Criteria: Ambry Variant Classification Scheme 2023. Collection method: clinical testing. Allele origin: germline.

Labcorp Genetics (formerly Invitae), Labcorp
Classification: Uncertain significance. Last evaluated: 2024-05-09. Review status: criteria provided, single submitter. Criteria: Invitae Variant Classification Sherloc (09022015). Collection method: clinical testing. Allele origin: germline.
Comment: This sequence change replaces arginine, which is basic and polar, with glutamine, which is neutral and polar, at codon 308 of the CYC1 protein (p.Arg308Gln). This variant is present in population databases (rs200419425, gnomAD 0.006%). This variant has not been reported in the literature in individuals affected with CYC1-related conditions. ClinVar contains an entry for this variant (Variation ID: 1448997). Advanced modeling of protein sequence and biophysical properties (such as structural, functional, and spatial information, amino acid conservation, physicochemical variation, residue mobility, and thermodynamic stability) has been performed at Invitae for this missense variant, however the output from this modeling did not meet the statistical confidence thresholds required to predict the impact of this variant on CYC1 protein function. In summary, the available evidence is currently insufficient to determine the role of this variant in disease. Therefore, it has been classified as a Variant of Uncertain Significance.